The following is an entry in ClinVar:

NM_001374828.1(ARID1B):c.1235C>G (p.Ala412Gly)

Gene: ARID1B (AT-rich interaction domain 1B; plus strand). Cytogenetic location: 6q25.3.
Variant type: single nucleotide variant.
Coding change: c.1235C>G on transcript NM_001374828.1 (MANE Select); coding-DNA position 1235, C replaced by G.
Protein change: p.Ala412Gly; replaces alanine 412 with glycine.
Molecular consequence: missense variant.
Genome position (GRCh38, 1-based): chr6:156,778,915, C>G. VCF-style: chr6-156778915-C-G. GRCh37 (hg19) VCF-style: chr6-157100049-C-G.
Other names: c.986C>G, p.Ala329Gly (NM_001346813.1, NM_020732.3); c.1235C>G, p.Ala412Gly (NM_001371656.1, NM_001374820.1, NM_017519.3); c.812C>G, p.Ala271Gly (NM_175863.2); short protein forms A412G, A271G, A329G.
Identifiers: ClinVar variation 1982861 (VCV001982861.4), dbSNP rs1256773336, ClinGen allele CA366383662.

ClinVar aggregate classification (germline): Uncertain significance (1 of 4 stars; one submission).

Allele frequency attached by ClinVar (database versions not stated): gnomAD exomes 0.00001.

Submission:

Labcorp Genetics (formerly Invitae), Labcorp
Classification: Uncertain significance. Last evaluated: 2025-03-15. Review status: criteria provided, single submitter. Criteria: Invitae Variant Classification Sherloc (09022015). Collection method: clinical testing. Allele origin: germline.
Comment: This sequence change replaces alanine, which is neutral and non-polar, with glycine, which is neutral and non-polar, at codon 329 of the ARID1B protein (p.Ala329Gly). The frequency data for this variant in the population databases is considered unreliable, as metrics indicate poor data quality at this position in the gnomAD database. This variant has not been reported in the literature in individuals affected with ARID1B-related conditions. ClinVar contains an entry for this variant (Variation ID: 1982861). Invitae Evidence Modeling of protein sequence and biophysical properties (such as structural, functional, and spatial information, amino acid conservation, physicochemical variation, residue mobility, and thermodynamic stability) indicates that this missense variant is not expected to disrupt ARID1B protein function with a negative predictive value of 95%. In summary, the available evidence is currently insufficient to determine the role of this variant in disease. Therefore, it has been classified as a Variant of Uncertain Significance.